The following is an entry in ClinVar:

NM_003153.5(STAT6):c.3G>A (p.Met1Ile)

Gene: STAT6 (signal transducer and activator of transcription 6; minus strand). Cytogenetic location: 12q13.3.
Variant type: single nucleotide variant.
Coding change: c.3G>A on transcript NM_003153.5 (MANE Select); coding-DNA position 3, G replaced by A.
Protein change: p.Met1Ile; changes the start codon (methionine 1).
Molecular consequence: missense variant, initiator codon variant. On other transcripts: non-coding transcript variant (1), intron variant (2).
Genome position (GRCh38, 1-based): chr12:57,108,276, C>T on the plus strand (G>A on the coding strand, the complement: STAT6 is on the minus strand). VCF-style: chr12-57108276-C-T. GRCh37 (hg19) VCF-style: chr12-57502059-C-T.
Other names: c.3G>A, p.Met1Ile (NM_001178078.2, NM_001178079.2); c.-75-962G>A (NM_001178081.2); c.-214-533G>A (NM_001178080.2); short protein forms M1I.
Identifiers: ClinVar variation 4527571 (VCV004527571.1).

ClinVar aggregate classification (germline): Uncertain significance (1 of 4 stars; one submission).

Submission:

GeneDx
Classification: Uncertain significance. Last evaluated: 2025-05-05. Review status: criteria provided, single submitter. Criteria: GeneDx Variant Classification Process June 2021. Collection method: clinical testing. Allele origin: germline. Affected: yes.
Comment: Not observed at significant frequency in large population cohorts (gnomAD); Initiation codon variant in a gene for which loss-of-function is not a known mechanism of disease; Has not been previously published as pathogenic or benign to our knowledge